The following is an entry in ClinVar:

ClinVar aggregate classification (germline): Uncertain significance (1 of 4 stars; one submission).

Allele frequency attached by ClinVar (database versions not stated): ExAC 0.00002; gnomAD 0.00002 and 0.00003; gnomAD exomes 0.00002 and 0.00004; TOPMed 0.00002; 1000 Genomes Project 30x 0.00016.

Submission:

Labcorp Genetics (formerly Invitae), Labcorp
Classification: Uncertain significance. Last evaluated: 2022-07-12. Review status: criteria provided, single submitter. Criteria: Invitae Variant Classification Sherloc (09022015). Collection method: clinical testing. Allele origin: germline.
Comment: In summary, the available evidence is currently insufficient to determine the role of this variant in disease. Therefore, it has been classified as a Variant of Uncertain Significance. Experimental studies and prediction algorithms are not available or were not evaluated, and the functional significance of this variant is currently unknown. ClinVar contains an entry for this variant (Variation ID: 1345275). This variant has not been reported in the literature in individuals affected with HTT-related conditions. This variant is present in population databases (rs41264725, gnomAD 0.007%). This sequence change replaces methionine, which is neutral and non-polar, with valine, which is neutral and non-polar, at codon 1071 of the HTT protein (p.Met1071Val).

NM_001388492.1(HTT):c.3205A>G (p.Met1069Val)

Gene: HTT (huntingtin; plus strand). Cytogenetic location: 4p16.3.
Variant type: single nucleotide variant.
Coding change: c.3205A>G on transcript NM_001388492.1 (MANE Select); coding-DNA position 3205, A replaced by G.
Protein change: p.Met1069Val; replaces methionine 1069 with valine.
Molecular consequence: missense variant.
Genome position (GRCh38, 1-based): chr4:3,146,858, A>G. VCF-style: chr4-3146858-A-G. GRCh37 (hg19) VCF-style: chr4-3148585-A-G.
Other names: c.3211A>G, p.Met1071Val (NM_002111.8); short protein forms M1071V, M1069V.
Identifiers: ClinVar variation 1345275 (VCV001345275.6), dbSNP rs41264725, ClinGen allele CA2824083.